The following is an entry in ClinVar:

ClinVar aggregate classification (germline): Likely pathogenic (1 of 4 stars; one submission).

Submission:

GeneDx
Classification: Likely pathogenic. Last evaluated: 2019-11-27. Review status: criteria provided, single submitter. Criteria: GeneDx Variant Classification Process June 2021. Collection method: clinical testing. Allele origin: germline. Affected: yes.
Comment: Published functional studies demonstrate that K429N ablates ATPase activity and likely has a significant impact on overall protein function (Choi et al., 2019); Not observed in large population cohorts (Lek et al., 2016); This variant is associated with the following publications: (PMID: 30012219, 31397519)

NM_016529.6(ATP8A2):c.1286A>T (p.Lys429Met)

Gene: ATP8A2 (ATPase phospholipid transporting 8A2). Cytogenetic location: 13q12.13.
Variant type: single nucleotide variant.
Coding change: c.1286A>T on transcript NM_016529.6 (MANE Select); coding-DNA position 1286, A replaced by T.
Protein change: p.Lys429Met; replaces lysine 429 with methionine.
Molecular consequence: missense variant.
Genome position (GRCh38, 1-based): chr13:25,558,995, A>T. VCF-style: chr13-25558995-A-T. GRCh37 (hg19) VCF-style: chr13-26133133-A-T.
Other names: c.1166A>T, p.Lys389Met (NM_001313741.1); short protein forms K429M, K389M.
Identifiers: ClinVar variation 386403 (VCV000386403.4), dbSNP rs1057522489, ClinGen allele CA16607442.